The following is an entry in ClinVar:

NM_001378373.1(MBL2):c.302C>T (p.Pro101Leu)

Gene: MBL2 (mannose binding lectin 2; minus strand). Cytogenetic location: 10q21.1.
Variant type: single nucleotide variant.
Coding change: c.302C>T on transcript NM_001378373.1 (MANE Select); coding-DNA position 302, C replaced by T.
Protein change: p.Pro101Leu; replaces proline 101 with leucine.
Molecular consequence: missense variant.
Genome position (GRCh38, 1-based): chr10:52,770,672, G>A on the plus strand (C>T on the coding strand, the complement: MBL2 is on the minus strand). VCF-style: chr10-52770672-G-A. GRCh37 (hg19) VCF-style: chr10-54530432-G-A.
Other names: c.302C>T, p.Pro101Leu (NM_000242.3, NM_001378374.1); short protein forms P101L.
Identifiers: ClinVar variation 300149 (VCV000300149.7), dbSNP rs143562102, ClinGen allele CA5504378.
Genomic context (GRCh38, chr10:52,770,672, plus strand): 5'-ATACTCAAGGTCTCAGAACCCTGGGTGAAGTCAGCTCAGACCTTGCTGGGGTCCTTACCC[G>A]GACTTTTTCCAGGGTCTCCTTTTTGGCCCTTTGGTCCTGGTGACCCAGAAGGCCCTGGAT-3'
Protein context (NP_001365302.1, residues 91-111): KGQKGDPGKS[Pro101Leu]DGDSSLAASE

ClinVar aggregate classification (germline): Uncertain significance. Review status: criteria provided, multiple submitters, no conflicts (2 of 4 stars). 2 submissions from 2 submitters: Uncertain significance (2). Last evaluated 2024-12-06.

Conditions:
MBL2-related disorder. Also called: MBL2-related condition.

Allele frequency attached by ClinVar (database versions not stated): 1000 Genomes Project 0.00020; TOPMed 0.00006; ESP Exome Variant Server 0.00023; gnomAD 0.00007; ExAC 0.00021; 1000 Genomes Project 30x 0.00031.
gnomAD v4.1: 127 of 1,468,872 alleles (0.0086%); highest among the groups gnomAD compares: Middle Eastern, 0.055%; no homozygotes.

Submissions (2):

Ambry Genetics
Classification: Uncertain significance. Last evaluated: 2024-12-06. Review status: criteria provided, single submitter. Criteria: Ambry Variant Classification Scheme 2023. Collection method: clinical testing. Allele origin: germline.

PreventionGenetics, part of Exact Sciences
Classification: Uncertain significance for MBL2-related condition. Last evaluated: 2023-07-12. Review status: criteria provided, single submitter. Criteria: ACMG Guidelines, 2015. Collection method: clinical testing. Allele origin: germline.
Comment: The MBL2 c.302C>T variant is predicted to result in the amino acid substitution p.Pro101Leu. To our knowledge, this variant has not been reported in the literature. This variant is reported in 0.021% of alleles in individuals of South Asian descent in gnomAD. Although we suspect that this variant may be benign, at this time, the clinical significance of this variant is uncertain due to the absence of conclusive functional and genetic evidence.